The following is an entry in ClinVar:

NM_001001331.4(ATP2B2):c.673G>A (p.Asp225Asn)

Gene: ATP2B2 (ATPase plasma membrane Ca2+ transporting 2; minus strand). Cytogenetic location: 3p25.3.
Variant type: single nucleotide variant.
Coding change: c.673G>A on transcript NM_001001331.4 (MANE Select); coding-DNA position 673, G replaced by A.
Protein change: p.Asp225Asn; replaces aspartic acid 225 with asparagine.
Molecular consequence: missense variant.
Genome position (GRCh38, 1-based): chr3:10,401,061, C>T on the plus strand (G>A on the coding strand, the complement: ATP2B2 is on the minus strand). VCF-style: chr3-10401061-C-T. GRCh37 (hg19) VCF-style: chr3-10442745-C-T.
Other names: c.673G>A (NM_001001331.3); c.673G>A, p.Asp225Asn (NM_001330611.3, NM_001353564.1, NM_001363862.1 and 1 more transcripts); short protein forms D225N.
Identifiers: ClinVar variation 2572672 (VCV002572672.5), dbSNP rs2062203038, ClinGen allele CA351775235.

ClinVar aggregate classification (germline): Conflicting classifications of pathogenicity. Review status: criteria provided, conflicting classifications (1 of 4 stars). 2 submissions from 2 submitters: Likely pathogenic (1); Uncertain significance (1). Last evaluated 2025-06-12.

Conditions:
Neurodevelopmental disorder. Identifiers: MedGen C1535926, MeSH D065886, MONDO:0700092.

Allele frequency attached by ClinVar (database versions not stated): TOPMed 0.00001.

Submissions (2):

Victorian Clinical Genetics Services, Murdoch Childrens Research Institute
Classification: Likely pathogenic for Neurodevelopmental disorder. Last evaluated: 2025-06-12. Review status: criteria provided, single submitter. Criteria: ACMG Guidelines, 2015. Collection method: clinical testing. Allele origin: germline. Affected: yes.
Comment: This variant is classified as Likely pathogenic. Evidence in support of pathogenic classification: Variant is absent from gnomAD (v2, v3 and v4); Missense variant in a region that is highly intolerant to missense variation (high constraint region in gnomAD). Additionally, the variant is located in the E1-E2 ATPase domain (DECIPHER); Additional information: Variant is predicted to result in a missense amino acid change from aspartic acid to asparagine; This variant is heterozygous; This gene is associated with autosomal dominant disease; Previous evidence of pathogenicity for this variant is inconclusive. This variant has been reported as a VUS by a clinical testing laboratory (ClinVar); No published segregation evidence has been identified for this variant; No published functional evidence has been identified for this variant; No comparable missense variants have previous evidence for pathogenicity; Missense variant with conflicting in silico predictions and uninformative conservation; Loss of function and gain of function are known mechanisms of disease in this gene. Variants predicted to result in nonsense mediated decay are associated with deafness 82 (MIM#82619804). Truncating and missense variants are associated with neurodevelopmental disorder (MONDO:0700092), ATP2B2-related (PMID: 37675773).

GeneDx
Classification: Uncertain significance. Last evaluated: 2023-11-21. Review status: criteria provided, single submitter. Criteria: GeneDx Variant Classification Process June 2021. Collection method: clinical testing. Allele origin: germline. Affected: yes.
Comment: Not observed at significant frequency in large population cohorts (gnomAD); In silico analysis supports that this missense variant has a deleterious effect on protein structure/function; Has not been previously published as pathogenic or benign to our knowledge

Literature cited by the submitters: PubMed 37675773 (cited by Victorian Clinical Genetics Services, Murdoch Childrens Research Institute).